The following is an entry in ClinVar:

NM_001001344.3(ATP2B3):c.2252G>A (p.Arg751Gln)

Gene: ATP2B3 (ATPase plasma membrane Ca2+ transporting 3; plus strand). Cytogenetic location: Xq28.
Variant type: single nucleotide variant.
Coding change: c.2252G>A on transcript NM_001001344.3 (MANE Select); coding-DNA position 2252, G replaced by A.
Protein change: p.Arg751Gln; replaces arginine 751 with glutamine.
Molecular consequence: missense variant.
Genome position (GRCh38, 1-based): chrX:153,556,344, G>A. VCF-style: chrX-153556344-G-A. GRCh37 (hg19) VCF-style: chrX-152821802-G-A.
Other names: c.2252G>A, p.Arg751Gln (NM_001388360.1, NM_001388361.1, NM_001388362.1 and 1 more transcripts); c.2210G>A, p.Arg737Gln (NM_001410708.1); short protein forms R737Q, R751Q.
Identifiers: ClinVar variation 2661700 (VCV002661700.24), dbSNP rs782550835, ClinGen allele CA415072515.

ClinVar aggregate classification (germline): Likely benign (1 of 4 stars; one submission).

Allele frequency attached by ClinVar (database versions not stated): gnomAD 0.00001.
gnomAD v4.1: 18 of 1,204,795 alleles (0.0015%); highest among the groups gnomAD compares: South Asian, 0.0018%; no homozygotes.

Submission:

CeGaT Center for Human Genetics Tuebingen
Classification: Likely benign. Last evaluated: 2023-01-01. Review status: criteria provided, single submitter. Criteria: CeGaT Center For Human Genetics Tuebingen Variant Classification Criteria Version 2. Collection method: clinical testing. Allele origin: germline. Affected: yes. Observed: 1 variant allele.
Comment: ATP2B3: BS2